The following is an entry in ClinVar:

NM_030973.4(MED25):c.13_36del (p.Glu6_Ser13del)

Gene: MED25 (mediator complex subunit 25; plus strand). Cytogenetic location: 19q13.33.
Variant type: Deletion.
Coding change: c.13_36del on transcript NM_030973.4 (MANE Select); coding-DNA positions 13 to 36, 24 bases deleted (TCCGAGGGCCCGGCCCGCGCCGGG).
Protein change: p.Glu6_Ser13del.
Molecular consequence: inframe deletion.
Genome position (GRCh38, 1-based): chr19:49,818,354-49,818,377, TCCGAGGGCCCGGCCCGCGCCGGG deleted; deleting any 24 consecutive bases within chr19:49,818,349-49,818,377 gives the same sequence; the c. name uses the placement nearest the transcript's 3' end. VCF-style (leftmost placement, unchanged base first): chr19-49818348-CCCGGGTCCGAGGGCCCGGCCCGCG-C. GRCh37 (hg19) VCF-style: chr19-50321605-CCCGGGTCCGAGGGCCCGGCCCGCG-C.
Other names: c.13_36del, p.Glu6_Ser13del (NM_001378355.1).
Identifiers: ClinVar variation 841790 (VCV000841790.9), dbSNP rs2073952891, ClinGen allele CA916081952.

ClinVar aggregate classification (germline): Uncertain significance (1 of 4 stars; one submission).

Conditions:
Charcot-Marie-Tooth disease type 2. Also called: Charcot-Marie-Tooth type 2. Identifiers: Orphanet 64746, MedGen C0270914, MONDO:0018993.

Submission:

Labcorp Genetics (formerly Invitae), Labcorp
Classification: Uncertain significance for Charcot-Marie-Tooth disease type 2. Last evaluated: 2022-11-07. Review status: criteria provided, single submitter. Criteria: Invitae Variant Classification Sherloc (09022015). Collection method: clinical testing. Allele origin: germline.
Comment: In summary, the available evidence is currently insufficient to determine the role of this variant in disease. Therefore, it has been classified as a Variant of Uncertain Significance. Experimental studies and prediction algorithms are not available or were not evaluated, and the functional significance of this variant is currently unknown. ClinVar contains an entry for this variant (Variation ID: 841790). This variant has not been reported in the literature in individuals affected with MED25-related conditions. This variant is not present in population databases (gnomAD no frequency). This variant, c.13_36del, results in the deletion of 8 amino acid(s) of the MED25 protein (p.Glu6_Ser13del), but otherwise preserves the integrity of the reading frame.